The following is an entry in ClinVar:

ClinVar aggregate classification (germline): Uncertain significance. Review status: criteria provided, multiple submitters, no conflicts (2 of 4 stars). 2 submissions from 2 submitters: Uncertain significance (2). Last evaluated 2023-08-17.

Conditions:
Hereditary cancer-predisposing syndrome. Also called: Hereditary Cancer Syndrome; Hereditary neoplastic syndrome; Neoplastic Syndromes, Hereditary; Tumor predisposition. Identifiers: Orphanet 140162, MedGen C0027672, MeSH D009386, MONDO:0015356.

Allele frequency attached by ClinVar (database versions not stated): gnomAD exomes below 0.00001.
gnomAD v4.1: 3 of 1,607,638 alleles (0.00019%); highest among the groups gnomAD compares: East Asian, 0.0022%; no homozygotes.

Submissions (2):

Labcorp Genetics (formerly Invitae), Labcorp
Classification: Uncertain significance for Hereditary cancer-predisposing syndrome. Last evaluated: 2023-08-17. Review status: criteria provided, single submitter. Criteria: Invitae Variant Classification Sherloc (09022015). Collection method: clinical testing. Allele origin: germline.
Comment: This sequence change replaces proline, which is neutral and non-polar, with serine, which is neutral and polar, at codon 58 of the RAD50 protein (p.Pro58Ser). In summary, the available evidence is currently insufficient to determine the role of this variant in disease. Therefore, it has been classified as a Variant of Uncertain Significance. Advanced modeling of protein sequence and biophysical properties (such as structural, functional, and spatial information, amino acid conservation, physicochemical variation, residue mobility, and thermodynamic stability) performed at Invitae indicates that this missense variant is expected to disrupt RAD50 protein function. ClinVar contains an entry for this variant (Variation ID: 408399). This variant has not been reported in the literature in individuals affected with RAD50-related conditions. This variant is not present in population databases (gnomAD no frequency).

Ambry Genetics
Classification: Uncertain significance for Hereditary cancer-predisposing syndrome. Last evaluated: 2023-02-27. Review status: criteria provided, single submitter. Criteria: Ambry Variant Classification Scheme 2023. Collection method: clinical testing. Allele origin: germline.
Comment: The p.P58S variant (also known as c.172C>T), located in coding exon 2 of the RAD50 gene, results from a C to T substitution at nucleotide position 172. The proline at codon 58 is replaced by serine, an amino acid with similar properties. This amino acid position is highly conserved in available vertebrate species. In addition, this alteration is predicted to be tolerated by in silico analysis. Since supporting evidence is limited at this time, the clinical significance of this alteration remains unclear.

NM_005732.4(RAD50):c.172C>T (p.Pro58Ser)

Gene: RAD50 (RAD50 double strand break repair protein; plus strand). Cytogenetic location: 5q31.1.
Variant type: single nucleotide variant.
Coding change: c.172C>T on transcript NM_005732.4 (MANE Select); coding-DNA position 172, C replaced by T.
Protein change: p.Pro58Ser; replaces proline 58 with serine.
Molecular consequence: missense variant.
Genome position (GRCh38, 1-based): chr5:132,559,326, C>T. VCF-style: chr5-132559326-C-T. GRCh37 (hg19) VCF-style: chr5-131895018-C-T.
Other names: short protein forms P58S.
Identifiers: ClinVar variation 408399 (VCV000408399.13), dbSNP rs1060501964, ClinGen allele CA16611739.